The following is an entry in ClinVar:

ClinVar aggregate classification (germline): Benign. Review status: reviewed by expert panel (3 of 4 stars). 18 submissions from 18 submitters: Benign (1). 17 of the submissions do not count toward it. Last evaluated 2020-01-23.

Conditions:
Glycogen storage disease, type II (IOPD). Also called: POMPE DISEASE, INFANTILE-ONSET; GLYCOGEN STORAGE DISEASE II, INFANTILE-ONSET; ACID ALPHA-GLUCOSIDASE DEFICIENCY, INFANTILE-ONSET; GAA DEFICIENCY, INFANTILE-ONSET; ACID MALTASE DEFICIENCY, INFANTILE-ONSET; Glucosidase acid-1,4-alpha deficiency. Identifiers: Orphanet 365, MedGen C0017921, MONDO:0009290, OMIM 232300.
Cardiovascular phenotype. Identifiers: MedGen CN230736.

Allele frequency attached by ClinVar (database versions not stated): 1000 Genomes Project 30x 0.60103; 1000 Genomes Project 0.60284; TOPMed 0.63761; gnomAD 0.65661 and 0.65665; gnomAD exomes 0.66869; ESP Exome Variant Server 0.67269; ExAC 0.67586.
gnomAD v4.1: 1,137,456 of 1,609,652 alleles (71%); highest among the groups gnomAD compares: Middle Eastern, 80%; 405,971 homozygotes.

Submissions (18):

ClinGen Lysosomal Storage Disorder Variant Curation Expert Panel
Classification: Benign for Glycogen storage disease, type II. Last evaluated: 2020-01-23. Review status: reviewed by expert panel. Criteria: ClinGen LSD ACMG Specifications v1. Collection method: curation. Allele origin: germline. Inheritance: Autosomal recessive inheritance.
Comment: The highest continental population minor allele frequency for c.547-4C>G in gnomAD v2.1.1 is 0.7403 in the European non-Finnish population. Note that the minor allele frequency is even higher in the Ashkenazi Jewish (0.77927) and European Finnish (0.75914) populations. These allele frequencies are higher than the ClinGen LSD VCEP's BA1 threshold (>0.01), meeting this criterion. There is a ClinVar entry for this variant (Variation ID: 92485, two star review status), with 6 submitters classifying the variant as benign. In summary, this variant meets the criteria to be classified as benign for Pompe disease. GAA-specific ACMG/AMP criteria applied, as specified by the ClinGen LSD VCEP: BA1.

Genomenon, Inc
Classification: Benign for Glycogen storage disease, type II. Last evaluated: 2026-07-01. Review status: criteria provided, single submitter. Criteria: Genomenon Sequence Variant Interpretation Standards - Updated. Collection method: curation. Allele origin: germline. Affected: no. Not counted in ClinVar's aggregate classification.
Comment: GAA c.547-4C>G is an intronic variant located in the acceptor splice region of intron 2. This variant is present at high allele frequency in population databases. We classify GAA c.547-4C>G as a benign variant.

Labcorp Genetics (formerly Invitae), Labcorp
Classification: Benign for Glycogen storage disease, type II. Last evaluated: 2026-02-04. Review status: criteria provided, single submitter. Criteria: Invitae Variant Classification Sherloc (09022015). Collection method: clinical testing. Allele origin: germline. Not counted in ClinVar's aggregate classification.

Blueprint Genetics
Classification: Benign. Last evaluated: 2024-11-28. Review status: criteria provided, single submitter. Criteria: ACMG Guidelines, 2015. Collection method: clinical testing. Allele origin: germline. Not counted in ClinVar's aggregate classification.

Genome-Nilou Lab
Classification: Benign for Glycogen storage disease, type II. Last evaluated: 2021-06-10. Review status: criteria provided, single submitter. Criteria: ACMG Guidelines, 2015. Collection method: clinical testing. Allele origin: germline. Affected: no. Not counted in ClinVar's aggregate classification.

Ambry Genetics
Classification: Benign for Cardiovascular phenotype. Last evaluated: 2018-12-11. Review status: criteria provided, single submitter. Criteria: Ambry Variant Classification Scheme 2023. Collection method: clinical testing. Allele origin: germline. Not counted in ClinVar's aggregate classification.

Eurofins Ntd Llc (ga)
Classification: Benign. Last evaluated: 2018-09-04. Review status: criteria provided, single submitter. Criteria: EGL ClinVar v180209 classification definitions. Collection method: clinical testing. Allele origin: germline. Observed: 112 variant alleles, 65 heterozygotes, 47 homozygotes. Not counted in ClinVar's aggregate classification.

Illumina Laboratory Services, Illumina
Classification: Benign for Glycogen storage disease, type II. Last evaluated: 2018-01-13. Review status: criteria provided, single submitter. Criteria: ICSL Variant Classification Criteria 13 December 2019. Collection method: clinical testing. Allele origin: germline. Not counted in ClinVar's aggregate classification.
Comment: This variant was observed in the ICSL laboratory as part of a predisposition screen in an ostensibly healthy population. It had not been previously curated by ICSL or reported in the Human Gene Mutation Database (HGMD: prior to June 1st, 2018), and was therefore a candidate for classification through an automated scoring system. Utilizing variant allele frequency, disease prevalence and penetrance estimates, and inheritance mode, an automated score was calculated to assess if this variant is too frequent to cause the disease. Based on the score and internal cut-off values, a variant classified as benign is not then subjected to further curation. The score for this variant resulted in a classification of benign for this disease.

GeneDx
Classification: Benign. Last evaluated: 2015-03-03. Review status: criteria provided, single submitter. Criteria: GeneDx Variant Classification Process June 2021. Collection method: clinical testing. Allele origin: germline. Affected: yes. Not counted in ClinVar's aggregate classification.

Genetic Services Laboratory, University of Chicago
Classification: Benign for AllHighlyPenetrant. Last evaluated: 2013-08-15. Review status: criteria provided, single submitter. Criteria: ACMG Guidelines, 2007. Collection method: clinical testing. Allele origin: germline. Inheritance: Autosomal recessive inheritance. Not counted in ClinVar's aggregate classification.

Breakthrough Genomics
Classification: Benign. Review status: criteria provided, single submitter. Criteria: ACMG Guidelines, 2015. Collection method: not provided. Allele origin: germline. Inheritance: Autosomal recessive inheritance. Affected: yes. Not counted in ClinVar's aggregate classification.

PreventionGenetics, part of Exact Sciences
Classification: Benign. Review status: criteria provided, single submitter. Criteria: ACMG Guidelines, 2015. Collection method: clinical testing. Allele origin: germline. Not counted in ClinVar's aggregate classification.

Natera, Inc.
Classification: Benign for Glycogen storage disease type II. Last evaluated: 2019-11-18. Review status: no assertion criteria provided. Collection method: clinical testing. Allele origin: germline. Not counted in ClinVar's aggregate classification.

Mayo Clinic Laboratories, Mayo Clinic
Classification: Benign. Last evaluated: 2015-10-19. Review status: no assertion criteria provided. Collection method: clinical testing. Allele origin: unknown. Not counted in ClinVar's aggregate classification.

Department of Pathology and Laboratory Medicine, Sinai Health System
Classification: Uncertain significance. Review status: no assertion criteria provided. Collection method: clinical testing. Allele origin: unknown. Affected: yes. Study: The Canadian Open Genetics Repository (COGR). Not counted in ClinVar's aggregate classification.
Comment: multiple AR variants in same gene - keep for nowAllele frequency is common in at least one population database (frequency: 77.996% in gnomAD_ExomesFounderPop) based on the frequency threshold of 2.76% for this gene.Variant was observed in a homozygous state in population databases more than expected for disease.6 reputable source/s reports the variant as benign, but the evidence is not available to the laboratory to perform an independent evaluation.

Diagnostic Laboratory, Department of Genetics, University Medical Center Groningen
Classification: Benign for Glycogen storage disease, type II. Review status: no assertion criteria provided. Collection method: clinical testing. Allele origin: germline. Affected: yes. Study: VKGL Data-share Consensus. Not counted in ClinVar's aggregate classification.

Genome Diagnostics Laboratory, University Medical Center Utrecht
Classification: Benign. Review status: no assertion criteria provided. Collection method: clinical testing. Allele origin: germline. Affected: yes. Study: VKGL Data-share Consensus. Not counted in ClinVar's aggregate classification.

Joint Genome Diagnostic Labs from Nijmegen and Maastricht, Radboudumc and MUMC+
Classification: Benign. Review status: no assertion criteria provided. Collection method: clinical testing. Allele origin: germline. Affected: yes. Study: VKGL Data-share Consensus. Not counted in ClinVar's aggregate classification.

NM_000152.5(GAA):c.547-4C>G

Gene: GAA (alpha glucosidase; plus strand). Cytogenetic location: 17q25.3.
Variant type: single nucleotide variant.
Coding change: c.547-4C>G on transcript NM_000152.5 (MANE Select); 4 bases into the intron before coding-DNA position 547, C replaced by G.
Molecular consequence: intron variant.
Genome position (GRCh38, 1-based): chr17:80,105,745, C>G. VCF-style: chr17-80105745-C-G. GRCh37 (hg19) VCF-style: chr17-78079544-C-G.
Other names: c.547-4C>G (NM_001079803.3, NM_001079804.3, LRG_673t1).
Identifiers: ClinVar variation 92485 (VCV000092485.39), dbSNP rs3816256, ClinGen allele CA145784.